The following is an entry in ClinVar:

NM_006031.6(PCNT):c.2813_2814del (p.Gln938fs)

Gene: PCNT (pericentrin; plus strand). Cytogenetic location: 21q22.3.
Variant type: Deletion.
Coding change: c.2813_2814del on transcript NM_006031.6 (MANE Select); coding-DNA positions 2813 to 2814, 2 bases deleted (AG; older notation c.2813_2814delAG).
Protein change: p.Gln938fs; shifts the reading frame from glutamine 938.
Molecular consequence: frameshift variant.
Genome position (GRCh38, 1-based): chr21:46,366,787-46,366,788, AG deleted. VCF-style (leftmost placement, unchanged base first): chr21-46366786-CAG-C. GRCh37 (hg19) VCF-style: chr21-47786701-CAG-C.
Other names: c.2459_2460del, p.Gln820fs (NM_001315529.2); short protein forms Q820fs, Q938fs.
Identifiers: ClinVar variation 1690384 (VCV001690384.2), dbSNP rs2146922620, ClinGen allele CA2573157531.
Genomic context (GRCh38, chr21:46,366,786, plus strand): 5'-GAGCTCGAGGCCAGACACCAGGCCGCGTTGGGCGAGCTGACAGCCTCCTTAGAGAGCAAG[CAG>C]GGGGCTCTGCTGGCTGCACGTGTGGCCGAACTGCAGACAAAACACGCTGCCGACCTCGGC-3'

ClinVar aggregate classification (germline): Likely pathogenic (1 of 4 stars; one submission).

Submission:

Laboratorio de Genetica e Diagnostico Molecular, Hospital Israelita Albert Einstein
Classification: Likely pathogenic. Last evaluated: 2021-05-19. Review status: criteria provided, single submitter. Criteria: ACMG Guidelines, 2015. Collection method: clinical testing. Allele origin: germline. Affected: yes.
Comment: ACMG classification criteria: PVS1, PM2